The following is an entry in ClinVar:

ClinVar aggregate classification (germline): Uncertain significance (1 of 4 stars; one submission).

Conditions:
Inborn genetic diseases. Identifiers: MedGen C0950123, MeSH D030342.

Submission:

Ambry Genetics
Classification: Uncertain significance for Inborn genetic diseases. Last evaluated: 2025-11-17. Review status: criteria provided, single submitter. Criteria: Ambry Variant Classification Scheme 2023. Collection method: clinical testing. Allele origin: germline.
Comment: The p.S13T variant (also known as c.38G>C), located in coding exon 1 of the PAX5 gene, results from a G to C substitution at nucleotide position 38. The serine at codon 13 is replaced by threonine, an amino acid with similar properties. This amino acid position is conserved. In addition, the in silico prediction for this alteration is inconclusive. Based on the available evidence, the clinical significance of this variant remains unclear.

NM_016734.3(PAX5):c.38G>C (p.Ser13Thr)

Gene: PAX5 (paired box 5; minus strand). Cytogenetic location: 9p13.2.
Variant type: single nucleotide variant.
Coding change: c.38G>C on transcript NM_016734.3 (MANE Select); coding-DNA position 38, G replaced by C.
Protein change: p.Ser13Thr; replaces serine 13 with threonine.
Molecular consequence: missense variant. On other transcripts: 5 prime UTR variant (2), non-coding transcript variant (2).
Genome position (GRCh38, 1-based): chr9:37,033,994, C>G on the plus strand (G>C on the coding strand, the complement: PAX5 is on the minus strand). VCF-style: chr9-37033994-C-G. GRCh37 (hg19) VCF-style: chr9-37033991-C-G.
Other names: c.38G>C, p.Ser13Thr (NM_001280547.2, NM_001280548.2, NM_001280549.2 and 5 more transcripts); c.-121G>C (NM_001280551.2, NM_001280556.2); short protein forms S13T.
Identifiers: ClinVar variation 4626965 (VCV004626965.1).